The following is an entry in ClinVar:

NM_001982.4(ERBB3):c.420C>T (p.Thr140=)

Gene: ERBB3 (erb-b2 receptor tyrosine kinase 3; plus strand). Cytogenetic location: 12q13.2.
Variant type: single nucleotide variant.
Coding change: c.420C>T on transcript NM_001982.4 (MANE Select); coding-DNA position 420, C replaced by T.
Protein change: p.Thr140=; no amino-acid change (threonine 140 retained).
Molecular consequence: synonymous variant.
Genome position (GRCh38, 1-based): chr12:56,085,180, C>T. VCF-style: chr12-56085180-C-T. GRCh37 (hg19) VCF-style: chr12-56478964-C-T.
Other names: c.420C>T, p.Thr140= (NM_001005915.1).
Identifiers: ClinVar variation 4872687 (VCV004872687.3).

ClinVar aggregate classification (germline): Likely benign. Review status: criteria provided, multiple submitters, no conflicts (2 of 4 stars). 2 submissions from 2 submitters: Likely benign (2). Last evaluated 2026-06-01.

Conditions:
ERBB3-related disorder. Also called: ERBB3-related condition.

Submissions (2):

CeGaT Center for Human Genetics Tuebingen
Classification: Likely benign. Last evaluated: 2026-06-01. Review status: criteria provided, single submitter. Criteria: CeGaT Center For Human Genetics Tuebingen Variant Classification Criteria Version 2. Collection method: clinical testing. Allele origin: germline. Affected: yes. Observed: 1 variant allele.
Comment: ERBB3: BP4, BP7

PreventionGenetics, part of Exact Sciences
Classification: Likely benign for ERBB3-related condition. Last evaluated: 2026-04-24. Review status: criteria provided, single submitter. Criteria: ACMG Guidelines, 2015. Collection method: clinical testing. Allele origin: germline.
Comment: This variant is classified as likely benign based on ACMG/AMP sequence variant interpretation guidelines (Richards et al. 2015 PMID: 25741868, with internal and published modifications).